The following is an entry in ClinVar:

ClinVar aggregate classification (germline): Uncertain significance. Review status: criteria provided, multiple submitters, no conflicts (2 of 4 stars). 2 submissions from 2 submitters: Uncertain significance (2). Last evaluated 2025-10-29.

gnomAD v4.1: 1 of 1,614,170 alleles (0.000062%); highest among the groups gnomAD compares: Non-Finnish European, 0.000085%; no homozygotes.

Submissions (2):

Ambry Genetics
Classification: Uncertain significance. Last evaluated: 2025-10-29. Review status: criteria provided, single submitter. Criteria: Ambry Variant Classification Scheme 2023. Collection method: clinical testing. Allele origin: germline.

Labcorp Genetics (formerly Invitae), Labcorp
Classification: Uncertain significance. Last evaluated: 2021-06-01. Review status: criteria provided, single submitter. Criteria: Invitae Variant Classification Sherloc (09022015). Collection method: clinical testing. Allele origin: germline.
Comment: In summary, the available evidence is currently insufficient to determine the role of this variant in disease. Therefore, it has been classified as a Variant of Uncertain Significance. Algorithms developed to predict the effect of sequence changes on RNA splicing suggest that this variant may create or strengthen a splice site, but this prediction has not been confirmed by published transcriptional studies. Algorithms developed to predict the effect of missense changes on protein structure and function (SIFT, PolyPhen-2, Align-GVGD) all suggest that this variant is likely to be tolerated, but these predictions have not been confirmed by published functional studies and their clinical significance is uncertain. This variant has not been reported in the literature in individuals with RINT1-related conditions. This variant is not present in population databases (ExAC no frequency). This sequence change replaces isoleucine with valine at codon 152 of the RINT1 protein (p.Ile152Val). The isoleucine residue is moderately conserved and there is a small physicochemical difference between isoleucine and valine.

NM_021930.6(RINT1):c.454A>G (p.Ile152Val)

Gene: RINT1 (RAD50 interactor 1; plus strand). Cytogenetic location: 7q22.3.
Variant type: single nucleotide variant.
Coding change: c.454A>G on transcript NM_021930.6 (MANE Select); coding-DNA position 454, A replaced by G.
Protein change: p.Ile152Val; replaces isoleucine 152 with valine.
Molecular consequence: missense variant. On other transcripts: 5 prime UTR variant (3), non-coding transcript variant (1).
Genome position (GRCh38, 1-based): chr7:105,542,588, A>G. VCF-style: chr7-105542588-A-G. GRCh37 (hg19) VCF-style: chr7-105183035-A-G.
Other names: c.220A>G, p.Ile74Val (NM_001346599.2); c.-566A>G (NM_001346600.2); c.-469A>G (NM_001346601.2); c.-89A>G (NM_001346603.2); c.454A>G (NM_021930.4); short protein forms I152V, I74V.
Identifiers: ClinVar variation 1492229 (VCV001492229.10), dbSNP rs757714629, ClinGen allele CA368803747.